The following is an entry in ClinVar:

ClinVar aggregate classification (germline): Uncertain significance (1 of 4 stars; one submission).

Allele frequency attached by ClinVar (database versions not stated): gnomAD exomes below 0.00001; TOPMed 0.00001.
gnomAD v4.1: 2 of 1,611,180 alleles (0.00012%); highest among the groups gnomAD compares: Middle Eastern, 0.017%; no homozygotes.

Submission:

Labcorp Genetics (formerly Invitae), Labcorp
Classification: Uncertain significance. Last evaluated: 2023-02-14. Review status: criteria provided, single submitter. Criteria: Invitae Variant Classification Sherloc (09022015). Collection method: clinical testing. Allele origin: germline.
Comment: This sequence change replaces glutamine, which is neutral and polar, with arginine, which is basic and polar, at codon 701 of the DNA2 protein (p.Gln701Arg). This variant is not present in population databases (gnomAD no frequency). This variant has not been reported in the literature in individuals affected with DNA2-related conditions. Advanced modeling of protein sequence and biophysical properties (such as structural, functional, and spatial information, amino acid conservation, physicochemical variation, residue mobility, and thermodynamic stability) performed at Invitae indicates that this missense variant is not expected to disrupt DNA2 protein function. Algorithms developed to predict the effect of sequence changes on RNA splicing suggest that this variant may disrupt the consensus splice site. In summary, the available evidence is currently insufficient to determine the role of this variant in disease. Therefore, it has been classified as a Variant of Uncertain Significance.

NM_001080449.3(DNA2):c.2102A>G (p.Gln701Arg)

Gene: DNA2 (DNA replication helicase/nuclease 2; minus strand). Cytogenetic location: 10q21.3.
Variant type: single nucleotide variant.
Coding change: c.2102A>G on transcript NM_001080449.3 (MANE Select); coding-DNA position 2102, A replaced by G.
Protein change: p.Gln701Arg; replaces glutamine 701 with arginine.
Molecular consequence: missense variant.
Genome position (GRCh38, 1-based): chr10:68,430,542, T>C on the plus strand (A>G on the coding strand, the complement: DNA2 is on the minus strand). VCF-style: chr10-68430542-T-C. GRCh37 (hg19) VCF-style: chr10-70190299-T-C.
Other names: short protein forms Q701R.
Identifiers: ClinVar variation 2977010 (VCV002977010.3), dbSNP rs1797028479, ClinGen allele CA376854280.